The following is an entry in ClinVar:

NM_001267550.2(TTN):c.47443G>A (p.Asp15815Asn)

Genes: TTN (titin; minus strand), TTN-AS1 (TTN antisense RNA 1; plus strand). Cytogenetic location: 2q31.2.
Variant type: single nucleotide variant.
Coding change: c.47443G>A on transcript NM_001267550.2 (MANE Select); coding-DNA position 47443, G replaced by A.
Protein change: p.Asp15815Asn; replaces aspartic acid 15815 with asparagine.
Molecular consequence: missense variant.
Genome position (GRCh38, 1-based): chr2:178,617,908, C>T on the plus strand (G>A on the coding strand, the complement: TTN is on the minus strand). VCF-style: chr2-178617908-C-T. GRCh37 (hg19) VCF-style: chr2-179482635-C-T.
Other names: c.42520G>A, p.Asp14174Asn (NM_001256850.1); c.20248G>A, p.Asp6750Asn (NM_003319.4); c.39739G>A, p.Asp13247Asn (NM_133378.4); c.20623G>A, p.Asp6875Asn (NM_133432.3); c.20824G>A, p.Asp6942Asn (NM_133437.4); short protein forms D14174N, D13247N, D15815N, D6942N, D6750N, D6875N.
Identifiers: ClinVar variation 1784618 (VCV001784618.2), dbSNP rs1429370972, ClinGen allele CA349616937.

ClinVar aggregate classification (germline): Uncertain significance (1 of 4 stars; one submission).

Conditions:
Cardiovascular phenotype. Identifiers: MedGen CN230736.

Allele frequency attached by ClinVar (database versions not stated): gnomAD exomes below 0.00001.
gnomAD v4.1: 6 of 1,612,700 alleles (0.00037%); highest among the groups gnomAD compares: Non-Finnish European, 0.00051%; no homozygotes.

Submission:

Ambry Genetics
Classification: Uncertain significance for Cardiovascular phenotype. Last evaluated: 2018-07-08. Review status: criteria provided, single submitter. Criteria: Ambry Variant Classification Scheme 2023. Collection method: clinical testing. Allele origin: germline.
Comment: The p.D6750N variant (also known as c.20248G>A), located in coding exon 80 of the TTN gene, results from a G to A substitution at nucleotide position 20248. The aspartic acid at codon 6750 is replaced by asparagine, an amino acid with highly similar properties. This amino acid position is not well conserved in available vertebrate species. In addition, this alteration is predicted to be tolerated by in silico analysis. Since supporting evidence is limited at this time, the clinical significance of this alteration remains unclear.